The following is an entry in ClinVar:

ClinVar aggregate classification (germline): Uncertain significance (1 of 4 stars; one submission).

Conditions:
Adenylosuccinate lyase deficiency (ADSLD). Also called: ADSL DEFICIENCY. Identifiers: Orphanet 46, MedGen C0268126, MONDO:0007068, OMIM 103050.

Allele frequency attached by ClinVar (database versions not stated): gnomAD exomes below 0.00001.

Submission:

Labcorp Genetics (formerly Invitae), Labcorp
Classification: Uncertain significance for Adenylosuccinate lyase deficiency. Last evaluated: 2022-02-03. Review status: criteria provided, single submitter. Criteria: Invitae Variant Classification Sherloc (09022015). Collection method: clinical testing. Allele origin: germline.
Comment: This sequence change replaces arginine, which is basic and polar, with cysteine, which is neutral and slightly polar, at codon 300 of the ADSL protein (p.Arg300Cys). This variant is present in population databases (no rsID available, gnomAD 0.0009%). This variant has not been reported in the literature in individuals affected with ADSL-related conditions. ClinVar contains an entry for this variant (Variation ID: 529214). Advanced modeling of protein sequence and biophysical properties (such as structural, functional, and spatial information, amino acid conservation, physicochemical variation, residue mobility, and thermodynamic stability) performed at Invitae indicates that this missense variant is expected to disrupt ADSL protein function. In summary, the available evidence is currently insufficient to determine the role of this variant in disease. Therefore, it has been classified as a Variant of Uncertain Significance.

NM_000026.4(ADSL):c.898C>T (p.Arg300Cys)

Gene: ADSL (adenylosuccinate lyase; plus strand). Cytogenetic location: 22q13.1.
Variant type: single nucleotide variant.
Coding change: c.898C>T on transcript NM_000026.4 (MANE Select); coding-DNA position 898, C replaced by T.
Protein change: p.Arg300Cys; replaces arginine 300 with cysteine.
Molecular consequence: missense variant. On other transcripts: non-coding transcript variant (1).
Genome position (GRCh38, 1-based): chr22:40,361,523, C>T. VCF-style: chr22-40361523-C-T. GRCh37 (hg19) VCF-style: chr22-40757527-C-T.
Other names: c.898C>T, p.Arg300Cys (NM_001123378.3, NM_001363840.3); c.706C>T, p.Arg236Cys (NM_001317923.2); short protein forms R300C, R236C.
Identifiers: ClinVar variation 529214 (VCV000529214.6), dbSNP rs369617680, ClinGen allele CA411643943.